The following is an entry in ClinVar:

ClinVar aggregate classification (germline): Uncertain significance (1 of 4 stars; one submission).

Conditions:
Short-rib thoracic dysplasia 6 with or without polydactyly (SRTD6). Also called: POLYDACTYLY WITH NEONATAL CHONDRODYSTROPHY, TYPE II; Majewski Syndrome; SHORT-RIB THORACIC DYSPLASIA 6 WITH POLYDACTYLY; SHORT-RIB THORACIC DYSPLASIA 6 WITHOUT POLYDACTYLY; SHORT RIB-POLYDACTYLY SYNDROME, TYPE IIA. Identifiers: MedGen C0024507, MONDO:0009894, OMIM 263520.

Submission:

Labcorp Genetics (formerly Invitae), Labcorp
Classification: Uncertain significance for Short-rib thoracic dysplasia 6 with or without polydactyly. Last evaluated: 2022-06-26. Review status: criteria provided, single submitter. Criteria: Invitae Variant Classification Sherloc (09022015). Collection method: clinical testing. Allele origin: germline.
Comment: This sequence change replaces alanine, which is neutral and non-polar, with threonine, which is neutral and polar, at codon 415 of the NEK1 protein (p.Ala415Thr). This variant is not present in population databases (gnomAD no frequency). In summary, the available evidence is currently insufficient to determine the role of this variant in disease. Therefore, it has been classified as a Variant of Uncertain Significance. Advanced modeling of protein sequence and biophysical properties (such as structural, functional, and spatial information, amino acid conservation, physicochemical variation, residue mobility, and thermodynamic stability) performed at Invitae indicates that this missense variant is not expected to disrupt NEK1 protein function. This variant has not been reported in the literature in individuals affected with NEK1-related conditions.

NM_001199397.3(NEK1):c.1243G>A (p.Ala415Thr)

Gene: NEK1 (NIMA related kinase 1; minus strand). Cytogenetic location: 4q33.
Variant type: single nucleotide variant.
Coding change: c.1243G>A on transcript NM_001199397.3 (MANE Select); coding-DNA position 1243, G replaced by A.
Protein change: p.Ala415Thr; replaces alanine 415 with threonine.
Molecular consequence: missense variant. On other transcripts: non-coding transcript variant (2), intron variant (2).
Genome position (GRCh38, 1-based): chr4:169,561,503, C>T on the plus strand (G>A on the coding strand, the complement: NEK1 is on the minus strand). VCF-style: chr4-169561503-C-T. GRCh37 (hg19) VCF-style: chr4-170482654-C-T.
Other names: c.1243G>A, p.Ala415Thr (NM_001199398.3, NM_001199400.3, NM_001374418.1 and 4 more transcripts); c.1192G>A, p.Ala398Thr (NM_001374420.1); c.1140+329G>A (NM_001374421.1); c.1191+184G>A (NM_001199399.3); short protein forms A415T, A398T.
Identifiers: ClinVar variation 1990860 (VCV001990860.4), dbSNP rs2546789618, ClinGen allele CA358734265.